The following is an entry in ClinVar:

ClinVar aggregate classification (germline): Conflicting classifications of pathogenicity. Review status: criteria provided, conflicting classifications (1 of 4 stars). 4 submissions from 4 submitters: Uncertain significance (3); Benign (1). Last evaluated 2025-10-28.

Conditions:
Hereditary cancer-predisposing syndrome. Also called: Hereditary Cancer Syndrome; Neoplastic Syndromes, Hereditary; Tumor predisposition; Hereditary neoplastic syndrome. Identifiers: Orphanet 140162, MedGen C0027672, MeSH D009386, MONDO:0015356.
Fanconi anemia complementation group O. Also called: RAD51C-Related Fanconi Anemia. Identifiers: Orphanet 84, MedGen C3150653, MONDO:0013248, OMIM 613390.
Breast-ovarian cancer, familial, susceptibility to, 3. Also called: RAD51C-Related Breast/Ovarian Cancer. Identifiers: Orphanet 145, MedGen C3150659, MONDO:0013253, OMIM 613399.

Allele frequency attached by ClinVar (database versions not stated): gnomAD exomes below 0.00001.
gnomAD v4.1: 1 of 1,610,708 alleles (0.000062%); highest among the groups gnomAD compares: African/African-American, 0.0013%; no homozygotes.

Submissions (4):

Ambry Genetics
Classification: Benign for Hereditary cancer-predisposing syndrome. Last evaluated: 2025-10-28. Review status: criteria provided, single submitter. Criteria: Ambry Variant Classification Scheme 2023. Collection method: clinical testing. Allele origin: germline.

Labcorp Genetics (formerly Invitae), Labcorp
Classification: Uncertain significance for Fanconi anemia complementation group O. Last evaluated: 2025-08-31. Review status: criteria provided, single submitter. Criteria: Invitae Variant Classification Sherloc (09022015). Collection method: clinical testing. Allele origin: germline.
Comment: This sequence change replaces threonine, which is neutral and polar, with alanine, which is neutral and non-polar, at codon 200 of the RAD51C protein (p.Thr200Ala). This variant is not present in population databases (gnomAD no frequency). This variant has not been reported in the literature in individuals affected with RAD51C-related conditions. ClinVar contains an entry for this variant (Variation ID: 630837). Invitae Evidence Modeling of protein sequence and biophysical properties (such as structural, functional, and spatial information, amino acid conservation, physicochemical variation, residue mobility, and thermodynamic stability) indicates that this missense variant is not expected to disrupt RAD51C protein function with a negative predictive value of 80%. In summary, the available evidence is currently insufficient to determine the role of this variant in disease. Therefore, it has been classified as a Variant of Uncertain Significance.

Color Diagnostics, LLC DBA Color Health
Classification: Uncertain significance for Hereditary cancer-predisposing syndrome. Last evaluated: 2023-12-05. Review status: criteria provided, single submitter. Criteria: ACMG Guidelines, 2015. Collection method: clinical testing. Allele origin: germline.
Comment: This missense variant replaces threonine with alanine at codon 200 of the RAD51C protein. Computational prediction suggests that this variant may not impact protein structure and function (internally defined REVEL score threshold <= 0.5, PMID: 27666373). To our knowledge, functional studies have not been reported for this variant. This variant has not been reported in individuals affected with RAD51C-related disorders in the literature. This variant has not been identified in the general population by the Genome Aggregation Database (gnomAD). The available evidence is insufficient to determine the role of this variant in disease conclusively. Therefore, this variant is classified as a Variant of Uncertain Significance.

Baylor Genetics
Classification: Uncertain significance for Breast-ovarian cancer, familial, susceptibility to, 3. Last evaluated: 2023-09-06. Review status: criteria provided, single submitter. Criteria: ACMG Guidelines, 2015. Collection method: clinical testing. Allele origin: unknown.

NM_058216.3(RAD51C):c.598A>G (p.Thr200Ala)

Gene: RAD51C (RAD51 paralog C; plus strand). Cytogenetic location: 17q22.
Variant type: single nucleotide variant.
Coding change: c.598A>G on transcript NM_058216.3 (MANE Select); coding-DNA position 598, A replaced by G.
Protein change: p.Thr200Ala; replaces threonine 200 with alanine.
Molecular consequence: missense variant. On other transcripts: non-coding transcript variant (1).
Genome position (GRCh38, 1-based): chr17:58,703,222, A>G. VCF-style: chr17-58703222-A-G. GRCh37 (hg19) VCF-style: chr17-56780583-A-G.
Other names: short protein forms T200A.
Identifiers: ClinVar variation 630837 (VCV000630837.22), dbSNP rs1369125082, ClinGen allele CA400349233.